The following is an entry in ClinVar:

NM_002299.4(LCT):c.4184C>T (p.Ala1395Val)

Gene: LCT (lactase; minus strand). Cytogenetic location: 2q21.3.
Variant type: single nucleotide variant.
Coding change: c.4184C>T on transcript NM_002299.4 (MANE Select); coding-DNA position 4184, C replaced by T.
Protein change: p.Ala1395Val; replaces alanine 1395 with valine.
Molecular consequence: missense variant.
Genome position (GRCh38, 1-based): chr2:135,805,047, G>A on the plus strand (C>T on the coding strand, the complement: LCT is on the minus strand). VCF-style: chr2-135805047-G-A. GRCh37 (hg19) VCF-style: chr2-136562617-G-A.
Other names: short protein forms A1395V.
Identifiers: ClinVar variation 2093917 (VCV002093917.4), dbSNP rs2077658672, ClinGen allele CA348596707.

ClinVar aggregate classification (germline): Uncertain significance (1 of 4 stars; one submission).

Allele frequency attached by ClinVar (database versions not stated): gnomAD exomes below 0.00001.
gnomAD v4.1: 1 of 1,614,018 alleles (0.000062%); highest among the groups gnomAD compares: Non-Finnish European, 0.000085%; no homozygotes.

Submission:

Labcorp Genetics (formerly Invitae), Labcorp
Classification: Uncertain significance. Last evaluated: 2022-02-06. Review status: criteria provided, single submitter. Criteria: Invitae Variant Classification Sherloc (09022015). Collection method: clinical testing. Allele origin: germline.
Comment: This variant is not present in population databases (gnomAD no frequency). This sequence change replaces alanine, which is neutral and non-polar, with valine, which is neutral and non-polar, at codon 1395 of the LCT protein (p.Ala1395Val). This variant has not been reported in the literature in individuals affected with LCT-related conditions. In summary, the available evidence is currently insufficient to determine the role of this variant in disease. Therefore, it has been classified as a Variant of Uncertain Significance. Algorithms developed to predict the effect of missense changes on protein structure and function are either unavailable or do not agree on the potential impact of this missense change (SIFT: "Not Available"; PolyPhen-2: "Possibly Damaging"; Align-GVGD: "Not Available").